The following is an entry in ClinVar:

NM_001963.6(EGF):c.*393T>C

Gene: EGF (epidermal growth factor; plus strand). Cytogenetic location: 4q25.
Variant type: single nucleotide variant.
Coding change: c.*393T>C on transcript NM_001963.6 (MANE Select); 393 bases downstream of the stop codon, T replaced by C.
Molecular consequence: 3 prime UTR variant.
Genome position (GRCh38, 1-based): chr4:110,011,848, T>C. VCF-style: chr4-110011848-T-C. GRCh37 (hg19) VCF-style: chr4-110933004-T-C.
Other names: c.*393T>C (NM_001178130.3, NM_001178131.3); c.*536T>C (NM_001357021.2).
Identifiers: ClinVar variation 347269 (VCV000347269.6), dbSNP rs3733625, ClinGen allele CA10619907.

ClinVar aggregate classification (germline): Benign. Review status: criteria provided, multiple submitters, no conflicts (2 of 4 stars). 2 submissions from 2 submitters: Benign (2). Last evaluated 2018-01-13.

Conditions:
Renal hypomagnesemia 4. Also called: HYPOMAGNESEMIA, RENAL, NORMOCALCIURIC. Identifiers: Orphanet 34527, MedGen C2673648, MONDO:0012717, OMIM 611718.

Allele frequency attached by ClinVar (database versions not stated): gnomAD 0.06413 and 0.06576; TOPMed 0.06440; gnomAD exomes 0.07340; 1000 Genomes Project 30x 0.07917; 1000 Genomes Project 0.08247.
gnomAD v4.1: 21,079 of 301,550 alleles (7%); highest among the groups gnomAD compares: East Asian, 16%; 936 homozygotes.

Submissions (2):

Illumina Laboratory Services, Illumina
Classification: Benign for Renal hypomagnesemia 4. Last evaluated: 2018-01-13. Review status: criteria provided, single submitter. Criteria: ICSL Variant Classification Criteria 13 December 2019. Collection method: clinical testing. Allele origin: germline.
Comment: This variant was observed in the ICSL laboratory as part of a predisposition screen in an ostensibly healthy population. It had not been previously curated by ICSL or reported in the Human Gene Mutation Database (HGMD: prior to June 1st, 2018), and was therefore a candidate for classification through an automated scoring system. Utilizing variant allele frequency, disease prevalence and penetrance estimates, and inheritance mode, an automated score was calculated to assess if this variant is too frequent to cause the disease. Based on the score and internal cut-off values, a variant classified as benign is not then subjected to further curation. The score for this variant resulted in a classification of benign for this disease.

Breakthrough Genomics
Classification: Benign. Review status: criteria provided, single submitter. Criteria: ACMG Guidelines, 2015. Collection method: not provided. Allele origin: germline. Inheritance: Autosomal recessive inheritance. Affected: yes.